The following is an entry in ClinVar:

NM_001001957.2(OR2W3):c.517G>A (p.Glu173Lys)

Gene: OR2W3 (olfactory receptor family 2 subfamily W member 3; plus strand). Cytogenetic location: 1q44.
Variant type: single nucleotide variant.
Coding change: c.517G>A on transcript NM_001001957.2 (MANE Select); coding-DNA position 517, G replaced by A.
Protein change: p.Glu173Lys; replaces glutamic acid 173 with lysine.
Molecular consequence: missense variant.
Genome position (GRCh38, 1-based): chr1:247,896,103, G>A. VCF-style: chr1-247896103-G-A. GRCh37 (hg19) VCF-style: chr1-248059405-G-A.
Other names: short protein forms E173K.
Identifiers: ClinVar variation 3665459 (VCV003665459.2).

ClinVar aggregate classification (germline): Uncertain significance (1 of 4 stars; one submission).

Submission:

Labcorp Genetics (formerly Invitae), Labcorp
Classification: Uncertain significance. Last evaluated: 2025-10-27. Review status: criteria provided, single submitter. Criteria: Invitae Variant Classification Sherloc (09022015). Collection method: clinical testing. Allele origin: germline.
Comment: This sequence change replaces glutamic acid, which is acidic and polar, with lysine, which is basic and polar, at codon 173 of the OR2W3 protein (p.Glu173Lys). This variant is present in population databases (rs139271211, gnomAD 0.01%). This variant has not been reported in the literature in individuals affected with OR2W3-related conditions. ClinVar contains an entry for this variant (Variation ID: 3665459). An algorithm developed to predict the effect of missense changes on protein structure and function outputs the following: PolyPhen-2: "Benign". The lysine amino acid residue is found in multiple mammalian species, which suggests that this missense change does not adversely affect protein function. In summary, the available evidence is currently insufficient to determine the role of this variant in disease. Therefore, it has been classified as a Variant of Uncertain Significance.